The following is an entry in ClinVar:

ClinVar aggregate classification (germline): Uncertain significance (1 of 4 stars; one submission).

Allele frequency attached by ClinVar (database versions not stated): gnomAD 0.00001.
gnomAD v4.1: 5 of 1,613,952 alleles (0.00031%); highest among the groups gnomAD compares: Non-Finnish European, 0.00034%; no homozygotes.

Submission:

Labcorp Genetics (formerly Invitae), Labcorp
Classification: Uncertain significance. Last evaluated: 2022-12-21. Review status: criteria provided, single submitter. Criteria: Invitae Variant Classification Sherloc (09022015). Collection method: clinical testing. Allele origin: germline.
Comment: In summary, the available evidence is currently insufficient to determine the role of this variant in disease. Therefore, it has been classified as a Variant of Uncertain Significance. Advanced modeling of protein sequence and biophysical properties (such as structural, functional, and spatial information, amino acid conservation, physicochemical variation, residue mobility, and thermodynamic stability) performed at Invitae indicates that this missense variant is not expected to disrupt PITPNM3 protein function. This variant has not been reported in the literature in individuals affected with PITPNM3-related conditions. This variant is present in population databases (no rsID available, gnomAD 0.0009%). This sequence change replaces valine, which is neutral and non-polar, with isoleucine, which is neutral and non-polar, at codon 164 of the PITPNM3 protein (p.Val164Ile).

NM_031220.4(PITPNM3):c.490G>A (p.Val164Ile)

Gene: PITPNM3 (PITPNM family member 3; minus strand). Cytogenetic location: 17p13.2.
Variant type: single nucleotide variant.
Coding change: c.490G>A on transcript NM_031220.4 (MANE Select); coding-DNA position 490, G replaced by A.
Protein change: p.Val164Ile; replaces valine 164 with isoleucine.
Molecular consequence: missense variant.
Genome position (GRCh38, 1-based): chr17:6,483,614, C>T on the plus strand (G>A on the coding strand, the complement: PITPNM3 is on the minus strand). VCF-style: chr17-6483614-C-T. GRCh37 (hg19) VCF-style: chr17-6386934-C-T.
Other names: c.382G>A, p.Val128Ile (NM_001165966.2); short protein forms V128I, V164I.
Identifiers: ClinVar variation 2874833 (VCV002874833.3), dbSNP rs1189345908, ClinGen allele CA397410778.